The following is an entry in ClinVar:

NM_002510.3(GPNMB):c.53C>T (p.Pro18Leu)

Gene: GPNMB (glycoprotein nmb; plus strand). Cytogenetic location: 7p15.3.
Variant type: single nucleotide variant.
Coding change: c.53C>T on transcript NM_002510.3 (MANE Select); coding-DNA position 53, C replaced by T.
Protein change: p.Pro18Leu; replaces proline 18 with leucine.
Molecular consequence: missense variant.
Genome position (GRCh38, 1-based): chr7:23,246,910, C>T. VCF-style: chr7-23246910-C-T. GRCh37 (hg19) VCF-style: chr7-23286529-C-T.
Other names: c.53C>T, p.Pro18Leu (NM_001005340.2); short protein forms P18L.
Identifiers: ClinVar variation 715719 (VCV000715719.5), dbSNP rs140122424, ClinGen allele CA4187228.
Genomic context (GRCh38, chr7:23,246,910, plus strand): 5'-AATTCAGCATGGAATGTCTCTACTATTTCCTGGGATTTCTGCTCCTGGCTGCAAGATTGC[C>T]ACTTGATGCCGCCAAACGTGAGTAACCCTTAATTTCTATGTTTAACCCATTCTCTGGCCA-3'
Protein context (NP_002501.1, residues 8-28): LGFLLLAARL[Pro18Leu]LDAAKRFHDV

ClinVar aggregate classification (germline): Likely benign. Review status: criteria provided, multiple submitters, no conflicts (2 of 4 stars). 2 submissions from 2 submitters: Likely benign (2). Last evaluated 2025-10-29.

Conditions:
GPNMB-related disorder. Also called: GPNMB-related condition.

Allele frequency attached by ClinVar (database versions not stated): 1000 Genomes Project 0.00120; 1000 Genomes Project 30x 0.00141; ExAC 0.00156; ESP Exome Variant Server 0.00161; TOPMed 0.00168; gnomAD exomes 0.00171 and 0.00265; gnomAD 0.00181 and 0.00184.
gnomAD v4.1: 4,148 of 1,612,984 alleles (0.26%); highest among the groups gnomAD compares: Non-Finnish European, 0.3%; 5 homozygotes.

Submissions (2):

PreventionGenetics, part of Exact Sciences
Classification: Likely benign for GPNMB-related condition. Last evaluated: 2025-10-29. Review status: criteria provided, single submitter. Criteria: ACMG Guidelines, 2015. Collection method: clinical testing. Allele origin: germline.
Comment: This variant is classified as likely benign based on ACMG/AMP sequence variant interpretation guidelines (Richards et al. 2015 PMID: 25741868, with internal and published modifications).

Labcorp Genetics (formerly Invitae), Labcorp
Classification: Likely benign. Last evaluated: 2019-12-31. Review status: criteria provided, single submitter. Criteria: Invitae Variant Classification Sherloc (09022015). Collection method: clinical testing. Allele origin: germline.